The following is an entry in ClinVar:

ClinVar aggregate classification (germline): Pathogenic. Review status: criteria provided, multiple submitters, no conflicts (2 of 4 stars). 4 submissions from 4 submitters: Pathogenic (4). Last evaluated 2024-10-08.

Conditions:
Inborn genetic diseases. Identifiers: MedGen C0950123, MeSH D030342.
SPEN-related disorder. Also called: SPEN-related condition.

Submissions (4):

Blueprint Genetics
Classification: Pathogenic for SPEN-related disorders. Last evaluated: 2024-10-08. Review status: criteria provided, single submitter. Criteria: ACMG Guidelines, 2015. Collection method: clinical testing. Allele origin: de novo. Affected: yes. Observed: 1 variant allele.

GeneDx
Classification: Pathogenic. Last evaluated: 2023-03-02. Review status: criteria provided, single submitter. Criteria: GeneDx Variant Classification Process June 2021. Collection method: clinical testing. Allele origin: germline. Affected: yes.
Comment: Nonsense variant predicted to result in protein truncation or nonsense mediated decay in a gene for which loss-of-function is a known mechanism of disease; Not observed at significant frequency in large population cohorts (gnomAD); This variant is associated with the following publications: (PMID: 33596411)

Ambry Genetics
Classification: Pathogenic for Inborn genetic diseases. Last evaluated: 2021-10-26. Review status: criteria provided, single submitter. Criteria: Ambry Variant Classification Scheme 2023. Collection method: clinical testing. Allele origin: germline.
Comment: The c.3793C>T (p.R1265*) alteration, located in coding exon 11 of the SPEN gene, consists of a C to T substitution at nucleotide position 3793. This changes the amino acid from an arginine (R) to a stop codon at amino acid position 1265. This alteration is expected to result in loss of function by premature protein truncation or nonsense-mediated mRNA decay. This variant was not reported in population-based cohorts in the Genome Aggregation Database (gnomAD). This alteration was reported de novo in two unrelated individuals with global developmental delay, intellectual disability, dysmorphic facial features, and hypotonia. Additional features in one of these individuals included behavioral problems, unsteady gait, abnormal brain MRI, gastroesophageal reflux, and conductive hearing loss (Radio, 2021). Based on the available evidence, this alteration is classified as pathogenic.

Tartaglia Lab, Genetics and Rare Diseases Research Division, Bambino Gesu' Children's Hospital
Classification: Pathogenic. Last evaluated: 2020-12-03. Review status: criteria provided, single submitter. Criteria: ACMG Guidelines, 2015. Collection method: research. Allele origin: de novo. Affected: yes. Observed: 2 variant alleles.

Literature cited by the submitters: PubMed 28191890 (cited by Ambry Genetics); PubMed 33596411 (cited by Ambry Genetics).

NM_015001.3(SPEN):c.3793C>T (p.Arg1265Ter)

Gene: SPEN (spen family transcriptional repressor; plus strand). Cytogenetic location: 1p36.13.
Variant type: single nucleotide variant.
Coding change: c.3793C>T on transcript NM_015001.3 (MANE Select); coding-DNA position 3793, C replaced by T.
Protein change: p.Arg1265Ter; replaces arginine 1265 with a stop codon.
Molecular consequence: nonsense.
Genome position (GRCh38, 1-based): chr1:15,930,033, C>T. VCF-style: chr1-15930033-C-T. GRCh37 (hg19) VCF-style: chr1-16256528-C-T.
Other names: short protein forms R1265*.
Identifiers: ClinVar variation 985376 (VCV000985376.9), dbSNP rs2071205857, ClinGen allele CA338609990.